The following is an entry in ClinVar:

NM_004656.4(BAP1):c.256-18C>T

Gene: BAP1 (BRCA1 associated deubiquitinase 1; minus strand). Cytogenetic location: 3p21.1.
Variant type: single nucleotide variant.
Coding change: c.256-18C>T on transcript NM_004656.4 (MANE Select); 18 bases into the intron before coding-DNA position 256, C replaced by T.
Molecular consequence: intron variant.
Genome position (GRCh38, 1-based): chr3:52,408,095, G>A on the plus strand (C>T on the coding strand, the complement: BAP1 is on the minus strand). VCF-style: chr3-52408095-G-A. GRCh37 (hg19) VCF-style: chr3-52442111-G-A.
Identifiers: ClinVar variation 490852 (VCV000490852.8), dbSNP rs1379738285, ClinGen allele CA542899651.

ClinVar aggregate classification (germline): Likely benign. Review status: criteria provided, multiple submitters, no conflicts (2 of 4 stars). 4 submissions from 4 submitters: Likely benign (4). Last evaluated 2025-03-04.

Conditions:
BAP1-related tumor predisposition syndrome (TPDS1). Also called: Tumor susceptibility linked to germline BAP1 mutations; BAP1 tumor predisposition syndrome; COMMON Syndrome; TUMOR PREDISPOSITION SYNDROME 1. Identifiers: Orphanet 289539, MedGen C3280492, MONDO:0013692, OMIM 614327.
Hereditary cancer-predisposing syndrome. Also called: Hereditary Cancer Syndrome; Neoplastic Syndromes, Hereditary; Tumor predisposition; Hereditary neoplastic syndrome. Identifiers: Orphanet 140162, MedGen C0027672, MeSH D009386, MONDO:0015356.

Allele frequency attached by ClinVar (database versions not stated): TOPMed below 0.00001; gnomAD exomes 0.00001.

Submissions (4):

Center for Genomic Medicine, Rigshospitalet, Copenhagen University Hospital
Classification: Likely benign. Last evaluated: 2025-03-04. Review status: criteria provided, single submitter. Criteria: ACMG Guidelines, 2015. Collection method: clinical testing. Allele origin: germline.

Myriad Genetics, Inc.
Classification: Likely benign for BAP1-related tumor predisposition syndrome. Last evaluated: 2024-07-11. Review status: criteria provided, single submitter. Criteria: Myriad Autosomal Dominant, Autosomal Recessive and X-Linked Classification Criteria (2023). Collection method: clinical testing. Allele origin: unknown.
Comment: This variant is considered likely benign. This variant is intronic and is not expected to impact mRNA splicing.

Labcorp Genetics (formerly Invitae), Labcorp
Classification: Likely benign for BAP1-related tumor predisposition syndrome. Last evaluated: 2024-07-01. Review status: criteria provided, single submitter. Criteria: Invitae Variant Classification Sherloc (09022015). Collection method: clinical testing. Allele origin: germline.

Color Diagnostics, LLC DBA Color Health
Classification: Likely benign for Hereditary cancer-predisposing syndrome. Last evaluated: 2017-04-06. Review status: criteria provided, single submitter. Criteria: ACMG Guidelines, 2015. Collection method: clinical testing. Allele origin: germline.